The following is an entry in ClinVar:

ClinVar aggregate classification (germline): Uncertain significance. Review status: criteria provided, multiple submitters, no conflicts (2 of 4 stars). 3 submissions from 3 submitters: Uncertain significance (3). Last evaluated 2026-07-25.

Conditions:
TTN-related disorder. Also called: TTN-related disorders; TTN-related condition; TTN-related disease.
Cardiovascular phenotype. Identifiers: MedGen CN230736.

Allele frequency attached by ClinVar (database versions not stated): gnomAD exomes 0.00001; ExAC 0.00003; gnomAD 0.00009; TOPMed 0.00011; ESP Exome Variant Server 0.00025.
gnomAD v4.1: 27 of 1,613,304 alleles (0.0017%); highest among the groups gnomAD compares: African/African-American, 0.029%; no homozygotes.

Submissions (3):

PreventionGenetics, part of Exact Sciences
Classification: Uncertain significance for TTN-related condition. Last evaluated: 2026-07-25. Review status: criteria provided, single submitter. Criteria: ACMG Guidelines, 2015. Collection method: clinical testing. Allele origin: germline.
Comment: The TTN c.77624T>C variant is predicted to result in the amino acid substitution p.Val25875Ala. To our knowledge, this variant has not been reported in the literature. This variant is reported in 0.045% of alleles in individuals of African descent in gnomAD. At this time, the clinical significance of this variant is uncertain due to the absence of conclusive functional and genetic evidence.

Revvity Omics, Revvity
Classification: Uncertain significance. Last evaluated: 2025-08-11. Review status: criteria provided, single submitter. Criteria: ACMG Guidelines, 2015. Collection method: clinical testing. Allele origin: germline.

Ambry Genetics
Classification: Uncertain significance for Cardiovascular phenotype. Last evaluated: 2019-09-16. Review status: criteria provided, single submitter. Criteria: Ambry Variant Classification Scheme 2023. Collection method: clinical testing. Allele origin: germline.
Comment: The p.V16810A variant (also known as c.50429T>C), located in coding exon 153 of the TTN gene, results from a T to C substitution at nucleotide position 50429. The valine at codon 16810 is replaced by alanine, an amino acid with similar properties. This amino acid position is not well conserved in available vertebrate species. In addition, this alteration is predicted to be tolerated by in silico analysis. Since supporting evidence is limited at this time, the clinical significance of this alteration remains unclear.

NM_001267550.2(TTN):c.77624T>C (p.Val25875Ala)

Genes: TTN (titin; minus strand), TTN-AS1 (TTN antisense RNA 1; plus strand). Cytogenetic location: 2q31.2.
Variant type: single nucleotide variant.
Coding change: c.77624T>C on transcript NM_001267550.2 (MANE Select); coding-DNA position 77624, T replaced by C.
Protein change: p.Val25875Ala; replaces valine 25875 with alanine.
Molecular consequence: missense variant.
Genome position (GRCh38, 1-based): chr2:178,568,508, A>G on the plus strand (T>C on the coding strand, the complement: TTN is on the minus strand). VCF-style: chr2-178568508-A-G. GRCh37 (hg19) VCF-style: chr2-179433235-A-G.
Other names: c.72701T>C, p.Val24234Ala (NM_001256850.1); c.50429T>C, p.Val16810Ala (NM_003319.4); c.69920T>C, p.Val23307Ala (NM_133378.4); c.50804T>C, p.Val16935Ala (NM_133432.3); c.51005T>C, p.Val17002Ala (NM_133437.4); short protein forms V16810A, V24234A, V16935A, V17002A, V23307A, V25875A.
Identifiers: ClinVar variation 1744956 (VCV001744956.6), dbSNP rs370374073, ClinGen allele CA1989740.
Genomic context (GRCh38, chr2:178,568,508, plus strand): 5'-TTTGGAGGATCAGGTTTATCTAGAGTTACAATTTCGATGGATGCTGTCTTCTGACCAACA[A>G]CATTGGCAACTGTGATTCCATATTGTCCACCATCATCCTTATGAGTTTCTTTAATACTGA-3'
Protein context (NP_001254479.2, residues 25865-25885): GGQYGITVAN[Val25875Ala]VGQKTASIEI